The following is an entry in ClinVar:

NM_007294.4(BRCA1):c.1133G>T (p.Ser378Ile)

Gene: BRCA1 (BRCA1 DNA repair associated; minus strand). Cytogenetic location: 17q21.31.
Variant type: single nucleotide variant.
Coding change: c.1133G>T on transcript NM_007294.4 (MANE Select); coding-DNA position 1133, G replaced by T.
Protein change: p.Ser378Ile; replaces serine 378 with isoleucine.
Molecular consequence: missense variant. On other transcripts: intron variant (137).
Genome position (GRCh38, 1-based): chr17:43,094,398, C>A on the plus strand (G>T on the coding strand, the complement: BRCA1 is on the minus strand). VCF-style: chr17-43094398-C-A. GRCh37 (hg19) VCF-style: chr17-41246415-C-A.
Other names: c.661+346G>T (NM_001408434.1, NM_001408448.1, NM_001408445.1 and 6 more transcripts); c.1007G>T, p.Ser336Ile (NM_001407687.1, NM_001407688.1, NM_001407691.1 and 11 more transcripts); c.784+346G>T (NM_001408398.1, NM_001407992.1, NM_001407991.1 and 13 more transcripts); c.664+346G>T (NM_001408440.1, NM_001408428.1, NM_001408427.1 and 12 more transcripts); c.670+1448G>T (NM_001408418.1, NM_001408419.1, NM_001408422.1 and 2 more transcripts); c.920G>T, p.Ser307Ile (NM_001407571.1, NM_001407853.1, NM_001407894.1 and 9 more transcripts); c.1133G>T, p.Ser378Ile (NM_001407581.1, NM_001407582.1, NM_001407583.1 and 30 more transcripts); c.1130G>T, p.Ser377Ile (NM_001407587.1, NM_001407590.1, NM_001407591.1 and 22 more transcripts); and 40 more; short protein forms S210I, S250I, S251I, S266I, S267I, S289I, S290I, S307I.
Identifiers: ClinVar variation 3226096 (VCV003226096.1), dbSNP rs763351631, ClinGen allele CA10599790.

ClinVar aggregate classification (germline): Uncertain significance (1 of 4 stars; one submission).

Conditions:
Hereditary cancer-predisposing syndrome. Also called: Neoplastic Syndromes, Hereditary; Tumor predisposition; Hereditary neoplastic syndrome; Hereditary Cancer Syndrome. Identifiers: Orphanet 140162, MedGen C0027672, MeSH D009386, MONDO:0015356.

Submission:

Ambry Genetics
Classification: Uncertain significance for Hereditary cancer-predisposing syndrome. Last evaluated: 2024-02-01. Review status: criteria provided, single submitter. Criteria: Ambry Variant Classification Scheme 2023. Collection method: clinical testing. Allele origin: germline.
Comment: The p.S378I variant (also known as c.1133G>T), located in coding exon 9 of the BRCA1 gene, results from a G to T substitution at nucleotide position 1133. The serine at codon 378 is replaced by isoleucine, an amino acid with dissimilar properties. This amino acid position is highly conserved in available vertebrate species. In addition, this alteration is predicted to be deleterious by in silico analysis. Based on the available evidence, the clinical significance of this alteration remains unclear.